The following is an entry in ClinVar:

NM_000051.4(ATM):c.8288del (p.Arg2763fs)

Genes: ATM (ATM serine/threonine kinase; plus strand), C11orf65 (chromosome 11 open reading frame 65; minus strand). Cytogenetic location: 11q22.3.
Variant type: Deletion.
Coding change: c.8288del on transcript NM_000051.4 (MANE Select); coding-DNA position 8288, one base deleted (G; older notation c.8288delG).
Protein change: p.Arg2763fs; shifts the reading frame from arginine 2763.
Molecular consequence: frameshift variant. On other transcripts: intron variant (2).
Genome position (GRCh38, 1-based): chr11:108,343,241, G deleted. VCF-style (leftmost placement, unchanged base first): chr11-108343240-CG-C. GRCh37 (hg19) VCF-style: chr11-108213967-CG-C.
Other names: c.8288del, p.Arg2763fs (NM_001351834.2); c.641-34170del (NM_001330368.2); c.695-7949del (NM_001351110.2); short protein forms R2763fs.
Identifiers: ClinVar variation 265566 (VCV000265566.13), dbSNP rs886039630, ClinGen allele CA10588510.
Genomic context (GRCh38, chr11:108,343,240, plus strand): 5'-ATGGCCTTTTAAAATTAAAAGGTATTTAATCTGTAACTCCAGGTGGTTCCCCTCTCTCAG[CG>C]AAGTGGTGTTCTTGAATGGTGCACAGGAACTGTCCCCATTGGTGAATTTCTTGTTAACAA-3'

ClinVar aggregate classification (germline): Pathogenic/Likely pathogenic. Review status: criteria provided, multiple submitters, no conflicts (2 of 4 stars). 6 submissions from 6 submitters: Pathogenic (4); Likely pathogenic (1). 1 of the submissions does not count toward it. Last evaluated 2025-06-06.

Conditions:
Hereditary cancer-predisposing syndrome. Also called: Neoplastic Syndromes, Hereditary; Hereditary neoplastic syndrome; Tumor predisposition; Hereditary Cancer Syndrome. Identifiers: Orphanet 140162, MedGen C0027672, MeSH D009386, MONDO:0015356.
Ataxia-telangiectasia syndrome (AT). Also called: Ataxia telangiectasia (A-T); Cerebello-oculocutaneous telangiectasia; Immunodeficiency with ataxia telangiectasia; LOUIS-BAR SYNDROME; AT, COMPLEMENTATION GROUP C; ATAXIA-TELANGIECTASIA, FRESNO VARIANT. Identifiers: Orphanet 100, MedGen C0004135, MONDO:0008840, OMIM 208900.
Malignant tumor of breast. Also called: Malignant breast neoplasm; Cancer breast. Identifiers: MedGen C0006142, MONDO:0007254. Disease mechanism: loss of function.
Familial cancer of breast. Also called: hereditary breast carcinoma; Hereditary breast cancer; BREAST CANCER, FAMILIAL. Identifiers: Orphanet 227535, MedGen C0346153, MONDO:0016419, OMIM 114480. Disease mechanism: loss of function.

Allele frequency attached by ClinVar (database versions not stated): gnomAD exomes below 0.00001.

Submissions (6):

Ambry Genetics
Classification: Pathogenic for Hereditary cancer-predisposing syndrome. Last evaluated: 2025-06-06. Review status: criteria provided, single submitter. Criteria: Ambry Variant Classification Scheme 2023. Collection method: clinical testing. Allele origin: germline.
Comment: The c.8288delG pathogenic mutation, located in coding exon 56 of the ATM gene, results from a deletion of one nucleotide at nucleotide position 8288, causing a translational frameshift with a predicted alternate stop codon (p.R2763Qfs*43). This variant is considered to be rare based on population cohorts in the Genome Aggregation Database (gnomAD). This alteration is expected to result in loss of function by premature protein truncation or nonsense-mediated mRNA decay. As such, this alteration is interpreted as a disease-causing mutation.

Myriad Genetics, Inc.
Classification: Pathogenic for Familial cancer of breast. Last evaluated: 2024-02-01. Review status: criteria provided, single submitter. Criteria: Myriad Autosomal Dominant, Autosomal Recessive and X-Linked Classification Criteria (2023). Collection method: clinical testing. Allele origin: unknown.
Comment: This variant is considered pathogenic. This variant creates a frameshift predicted to result in premature protein truncation.

Labcorp Genetics (formerly Invitae), Labcorp
Classification: Pathogenic for Ataxia-telangiectasia syndrome. Last evaluated: 2023-06-23. Review status: criteria provided, single submitter. Criteria: Invitae Variant Classification Sherloc (09022015). Collection method: clinical testing. Allele origin: germline.
Comment: For these reasons, this variant has been classified as Pathogenic. ClinVar contains an entry for this variant (Variation ID: 265566). This variant has not been reported in the literature in individuals affected with ATM-related conditions. This variant is not present in population databases (gnomAD no frequency). This sequence change creates a premature translational stop signal (p.Arg2763Glnfs*43) in the ATM gene. It is expected to result in an absent or disrupted protein product. Loss-of-function variants in ATM are known to be pathogenic (PMID: 23807571, 25614872).

Color Diagnostics, LLC DBA Color Health
Classification: Pathogenic for Hereditary cancer-predisposing syndrome. Last evaluated: 2022-02-14. Review status: criteria provided, single submitter. Criteria: ACMG Guidelines, 2015. Collection method: clinical testing. Allele origin: germline.
Comment: This variant deletes 1 nucleotide in exon 57 of the ATM gene, creating a frameshift and premature translation stop signal. This variant is expected to result in an absent or non-functional protein product. To our knowledge, this variant has not been reported in individuals affected with hereditary cancer in the literature. This variant has not been identified in the general population by the Genome Aggregation Database (gnomAD). Loss of ATM function is a known mechanism of disease. Based on the available evidence, this variant is classified as Pathogenic.

GeneDx
Classification: Likely pathogenic. Last evaluated: 2016-04-15. Review status: criteria provided, single submitter. Criteria: GeneDx Variant Classification (06012015). Collection method: clinical testing. Allele origin: germline. Affected: yes.
Comment: This deletion of one nucleotide in ATM is denoted c.8288delG at the cDNA level and p.Arg2763GlnfsX43 (R2763QfsX43) at the protein level. The normal sequence, with the base that is deleted in braces, is CAGC[G]AAGT. The deletion causes a frameshift which changes an Arginine to a Glutamine at codon 2763, and creates a premature stop codon at position 43 of the new reading frame. Although this variant has not, to our knowledge, been reported in the literature, it is predicted to cause loss of normal protein function through either protein truncation or nonsense-mediated mRNA decay. Based on the currently available information, we consider this deletion to be a likely pathogenic variant.

Department of Pathology and Laboratory Medicine, Sinai Health System
Classification: Pathogenic for Malignant tumor of breast. Review status: no assertion criteria provided. Collection method: clinical testing. Allele origin: unknown. Affected: yes. Study: The Canadian Open Genetics Repository (COGR). Not counted in ClinVar's aggregate classification.
Comment: The ATM p.Arg2763GlnfsX43 variant was not identified in the literature nor was it identified in the ClinVar, COGR, Cosmic, and MutDB, or the LOVD 3.0 database. The variant was identified in dbSNP (ID: rs886039630) as with likely pathogenic allele. The variant was not identified in the following control databases: the 1000 Genomes Project, the NHLBI GO Exome Sequencing Project, and the Exome Aggregation Consortium (August 8th 2016), or the Genome Aggregation Database (Feb 27, 2017). The c.8288del variant is predicted to cause a frameshift, which alters the protein's amino acid sequence beginning at codon 2763 and leads to a premature stop codon at position 2805. This alteration is then predicted to result in a truncated or absent protein and loss of function. Loss of function variants of the ATM gene are an established mechanism of disease in breast cancer and is the type of variant expected to cause the disorder. In summary, based on the above information this variant meets our laboratoryâ€šÃ„Ã´s criteria to be classified as pathogenic.

Literature cited by the submitters: PubMed 23807571 (cited by Labcorp Genetics (formerly Invitae), Labcorp); PubMed 25614872 (cited by Labcorp Genetics (formerly Invitae), Labcorp).